The following is an entry in ClinVar:

ClinVar aggregate classification (germline): Uncertain significance (1 of 4 stars; one submission).

Submission:

Labcorp Genetics (formerly Invitae), Labcorp
Classification: Uncertain significance. Last evaluated: 2022-03-19. Review status: criteria provided, single submitter. Criteria: Invitae Variant Classification Sherloc (09022015). Collection method: clinical testing. Allele origin: germline.
Comment: This sequence change replaces glycine, which is neutral and non-polar, with aspartic acid, which is acidic and polar, at codon 140 of the HSD3B2 protein (p.Gly140Asp). This variant is present in population databases (no rsID available, gnomAD 0.01%). This variant has not been reported in the literature in individuals affected with HSD3B2-related conditions. Algorithms developed to predict the effect of missense changes on protein structure and function (SIFT, PolyPhen-2, Align-GVGD) all suggest that this variant is likely to be tolerated. In summary, the available evidence is currently insufficient to determine the role of this variant in disease. Therefore, it has been classified as a Variant of Uncertain Significance.

NM_000198.4(HSD3B2):c.419G>A (p.Gly140Asp)

Gene: HSD3B2 (hydroxy-delta-5-steroid dehydrogenase, 3 beta- and steroid delta-isomerase 2; plus strand). Cytogenetic location: 1p12.
Variant type: single nucleotide variant.
Coding change: c.419G>A on transcript NM_000198.4 (MANE Select); coding-DNA position 419, G replaced by A.
Protein change: p.Gly140Asp; replaces glycine 140 with aspartic acid.
Molecular consequence: missense variant.
Genome position (GRCh38, 1-based): chr1:119,421,920, G>A. VCF-style: chr1-119421920-G-A. GRCh37 (hg19) VCF-style: chr1-119964543-G-A.
Other names: c.419G>A, p.Gly140Asp (NM_001166120.2); short protein forms G140D.
Identifiers: ClinVar variation 1924324 (VCV001924324.2), dbSNP rs142169766, ClinGen allele CA341396356.